The following is an entry in ClinVar:

NM_004380.3(CREBBP):c.4709C>T (p.Ala1570Val)

Gene: CREBBP (CREB binding lysine acetyltransferase; minus strand). Cytogenetic location: 16p13.3.
Variant type: single nucleotide variant.
Coding change: c.4709C>T on transcript NM_004380.3 (MANE Select); coding-DNA position 4709, C replaced by T.
Protein change: p.Ala1570Val; replaces alanine 1570 with valine.
Molecular consequence: missense variant.
Genome position (GRCh38, 1-based): chr16:3,736,055, G>A on the plus strand (C>T on the coding strand, the complement: CREBBP is on the minus strand). VCF-style: chr16-3736055-G-A. GRCh37 (hg19) VCF-style: chr16-3786056-G-A.
Other names: c.4595C>T, p.Ala1532Val (NM_001079846.1); short protein forms A1532V, A1570V.
Identifiers: ClinVar variation 1337839 (VCV001337839.5), dbSNP rs1186493453, ClinGen allele CA394561958.

ClinVar aggregate classification (germline): Uncertain significance. Review status: criteria provided, multiple submitters, no conflicts (2 of 4 stars). 2 submissions from 2 submitters: Uncertain significance (2). Last evaluated 2022-01-18.

Conditions:
Rubinstein-Taybi syndrome due to CREBBP mutations (RSTS1). Also called: RUBINSTEIN-TAYBI SYNDROME 1, INCOMPLETE; Rubinstein-Taybi syndrome 1; BROAD THUMBS AND GREAT TOES, CHARACTERISTIC FACIES, AND IMPAIRED INTELLECTUAL DEVELOPMENT; CREBBP-Related Rubinstein-Taybi Syndrome; BROAD THUMB-HALLUX SYNDROME; RUBINSTEIN SYNDROME. Identifiers: Orphanet 353277, Orphanet 783, MedGen C4551859, MONDO:0008393, OMIM 180849.
Menke-Hennekam syndrome 1 (MKHK1). Identifiers: MedGen C5193034, MONDO:0020763, OMIM 618332.

Allele frequency attached by ClinVar (database versions not stated): gnomAD exomes below 0.00001 and 0.00001; gnomAD 0.00001; TOPMed 0.00001.
gnomAD v4.1: 8 of 1,614,114 alleles (0.0005%); highest among the groups gnomAD compares: Non-Finnish European, 0.00068%; no homozygotes.

Submissions (2):

Fulgent Genetics
Classification: Uncertain significance for Rubinstein-Taybi syndrome due to CREBBP mutations; Menke-Hennekam syndrome 1. Last evaluated: 2022-01-18. Review status: criteria provided, single submitter. Criteria: ACMG Guidelines, 2015. Collection method: clinical testing. Allele origin: unknown.

Genetic Services Laboratory, University of Chicago
Classification: Uncertain significance. Last evaluated: 2021-02-10. Review status: criteria provided, single submitter. Criteria: ACMG Guidelines, 2015. Collection method: clinical testing. Allele origin: germline. Affected: no.
Comment: DNA sequence analysis of the CREBBP gene demonstrated a sequence change, c.4709C>T, in exon 28 that results in an amino acid change, p.Ala1570Val. This sequence change has been described in the gnomAD database with a low population frequency of 0.0008% (dbSNP rs1186493453). The p.Ala1570Val change affects a highly conserved amino acid residue located in a domain of the CREBBP protein that is known to be functional. In-silico pathogenicity prediction tools (SIFT, PolyPhen2, Align GVGD, REVEL) provide contradictory results for the p.Ala1570Val substitution. This sequence change does not appear to have been previously reported in patients with CREBBP-related disorders. Due to the lack of sufficient evidences, the clinical significance of the p.Ala1570Val change remains unknown at this time.